The following is an entry in ClinVar:

NM_183381.3(RNF13):c.700+1G>A

Gene: RNF13 (ring finger protein 13; plus strand). Cytogenetic location: 3q25.1.
Variant type: single nucleotide variant.
Coding change: c.700+1G>A on transcript NM_183381.3 (MANE Select); the canonical splice donor site of the intron after coding-DNA position 700, G replaced by A.
Molecular consequence: splice donor variant.
Genome position (GRCh38, 1-based): chr3:149,921,228, G>A. VCF-style: chr3-149921228-G-A. GRCh37 (hg19) VCF-style: chr3-149639015-G-A.
Other names: c.700+1G>A (NM_007282.4, NM_001378286.1, NM_001378285.1); c.343+1G>A (NM_183383.2, NM_001378288.1, NM_001378289.1 and 2 more transcripts); c.307+1G>A (NM_001378291.1).
Identifiers: ClinVar variation 3642402 (VCV003642402.2).
Genomic context (GRCh38, chr3:149,921,228, plus strand): 5'-GAAGAAACAGACTTCGTAAAGATCAACTTAAGAAACTTCCTGTACATAAATTCAAGAAAG[G>A]TAAGTATTTGTTTTCTAAATAATTATCCTTAGTTTATTTAAGACTGCAGGGTGACTATAC-3'

ClinVar aggregate classification (germline): Uncertain significance (1 of 4 stars; one submission).

Submission:

Labcorp Genetics (formerly Invitae), Labcorp
Classification: Uncertain significance. Last evaluated: 2024-04-03. Review status: criteria provided, single submitter. Criteria: Invitae Variant Classification Sherloc (09022015). Collection method: clinical testing. Allele origin: germline.
Comment: This sequence change affects a donor splice site in intron 9 of the RNF13 gene. It is expected to disrupt RNA splicing. Variants that disrupt the donor or acceptor splice site typically lead to a loss of protein function (PMID: 16199547), however the current clinical and genetic evidence is not sufficient to establish whether loss-of-function variants in RNF13 cause disease. This variant is not present in population databases (gnomAD no frequency). This variant has not been reported in the literature in individuals affected with RNF13-related conditions. Algorithms developed to predict the effect of sequence changes on RNA splicing suggest that this variant may disrupt the consensus splice site. In summary, the available evidence is currently insufficient to determine the role of this variant in disease. Therefore, it has been classified as a Variant of Uncertain Significance.

Literature cited by the submitters: PubMed 16199547.